The following is an entry in ClinVar:

NM_004746.4(DLGAP1):c.1872C>T (p.Thr624=)

Gene: DLGAP1 (DLG associated protein 1; minus strand). Cytogenetic location: 18p11.31.
Variant type: single nucleotide variant.
Coding change: c.1872C>T on transcript NM_004746.4 (MANE Select); coding-DNA position 1872, C replaced by T.
Protein change: p.Thr624=; no amino-acid change (threonine 624 retained).
Molecular consequence: synonymous variant.
Genome position (GRCh38, 1-based): chr18:3,581,968, G>A on the plus strand (C>T on the coding strand, the complement: DLGAP1 is on the minus strand). VCF-style: chr18-3581968-G-A. GRCh37 (hg19) VCF-style: chr18-3581966-G-A.
Other names: c.966C>T, p.Thr322= (NM_001003809.3, NM_001242765.2); c.1872C>T, p.Thr624= (NM_001242761.2); c.924C>T, p.Thr308= (NM_001242762.2); c.1038C>T, p.Thr346= (NM_001242763.2); c.990C>T, p.Thr330= (NM_001242764.2); c.996C>T, p.Thr332= (NM_001242766.2); c.1020C>T, p.Thr340= (NM_001308390.2).
Identifiers: ClinVar variation 1292003 (VCV001292003.5), dbSNP rs56017170, ClinGen allele CA8876268.

ClinVar aggregate classification (germline): Benign. Review status: criteria provided, multiple submitters, no conflicts (2 of 4 stars). 3 submissions from 3 submitters: Benign (2). 1 of the submissions does not count toward it. Last evaluated 2020-04-23.

Conditions:
DLGAP1-related disorder. Also called: DLGAP1-related condition.

Allele frequency attached by ClinVar (database versions not stated): 1000 Genomes Project 0.12300; TOPMed 0.18082; gnomAD 0.19152 and 0.19448; ESP Exome Variant Server 0.19814; gnomAD exomes 0.20960; ExAC 0.21023.
gnomAD v4.1: 392,190 of 1,613,932 alleles (24%); highest among the groups gnomAD compares: Non-Finnish European, 27%; 51,800 homozygotes.

Submissions (3):

GeneDx
Classification: Benign. Last evaluated: 2020-04-23. Review status: criteria provided, single submitter. Criteria: GeneDx Variant Classification Process June 2021. Collection method: clinical testing. Allele origin: germline. Affected: yes.

Breakthrough Genomics
Classification: Benign. Review status: criteria provided, single submitter. Criteria: ACMG Guidelines, 2015. Collection method: not provided. Allele origin: germline. Inheritance: Unknown mechanism. Affected: yes.

PreventionGenetics, part of Exact Sciences
Classification: Benign for DLGAP1-related condition. Last evaluated: 2019-10-21. Review status: no assertion criteria provided. Collection method: clinical testing. Allele origin: germline. Not counted in ClinVar's aggregate classification.
Comment: This variant is classified as benign based on ACMG/AMP sequence variant interpretation guidelines (Richards et al. 2015 PMID: 25741868, with internal and published modifications).